The following is an entry in ClinVar:

NM_004356.4(CD81):c.692G>A (p.Arg231Gln)

Gene: CD81 (CD81 molecule; plus strand). Cytogenetic location: 11p15.5.
Variant type: single nucleotide variant.
Coding change: c.692G>A on transcript NM_004356.4 (MANE Select); coding-DNA position 692, G replaced by A.
Protein change: p.Arg231Gln; replaces arginine 231 with glutamine.
Molecular consequence: missense variant.
Genome position (GRCh38, 1-based): chr11:2,396,847, G>A. VCF-style: chr11-2396847-G-A. GRCh37 (hg19) VCF-style: chr11-2418077-G-A.
Other names: c.479G>A, p.Arg160Gln (NM_001297649.2, NM_001425129.1, NM_001425130.1 and 3 more transcripts); c.815G>A, p.Arg272Gln (NM_001425135.1); c.689G>A, p.Arg230Gln (NM_001425137.1); c.476G>A, p.Arg159Gln (NM_001425138.1); short protein forms R231Q, R160Q, R230Q, R272Q, R159Q.
Identifiers: ClinVar variation 2990887 (VCV002990887.4), dbSNP rs776796717, ClinGen allele CA379125525.

ClinVar aggregate classification (germline): Uncertain significance. Review status: criteria provided, multiple submitters, no conflicts (2 of 4 stars). 2 submissions from 2 submitters: Uncertain significance (2). Last evaluated 2024-06-04.

Allele frequency attached by ClinVar (database versions not stated): TOPMed 0.00001.

Submissions (2):

Ambry Genetics
Classification: Uncertain significance. Last evaluated: 2024-06-04. Review status: criteria provided, single submitter. Criteria: Ambry Variant Classification Scheme 2023. Collection method: clinical testing. Allele origin: germline.

Labcorp Genetics (formerly Invitae), Labcorp
Classification: Uncertain significance. Last evaluated: 2024-04-01. Review status: criteria provided, single submitter. Criteria: Invitae Variant Classification Sherloc (09022015). Collection method: clinical testing. Allele origin: germline.
Comment: This sequence change replaces arginine, which is basic and polar, with glutamine, which is neutral and polar, at codon 231 of the CD81 protein (p.Arg231Gln). This variant is present in population databases (no rsID available, gnomAD 0.007%). This variant has not been reported in the literature in individuals affected with CD81-related conditions. An algorithm developed to predict the effect of missense changes on protein structure and function (PolyPhen-2) suggests that this variant is likely to be disruptive. In summary, the available evidence is currently insufficient to determine the role of this variant in disease. Therefore, it has been classified as a Variant of Uncertain Significance.